The following is an entry in ClinVar:

NM_007294.4(BRCA1):c.2210C>G (p.Thr737Arg)

Gene: BRCA1 (BRCA1 DNA repair associated; minus strand). Cytogenetic location: 17q21.31.
Variant type: single nucleotide variant.
Coding change: c.2210C>G on transcript NM_007294.4 (MANE Select); coding-DNA position 2210, C replaced by G.
Protein change: p.Thr737Arg; replaces threonine 737 with arginine.
Molecular consequence: missense variant. On other transcripts: intron variant (137).
Genome position (GRCh38, 1-based): chr17:43,093,321, G>C on the plus strand (C>G on the coding strand, the complement: BRCA1 is on the minus strand). VCF-style: chr17-43093321-G-C. GRCh37 (hg19) VCF-style: chr17-41245338-G-C.
Other names: c.1997C>G, p.Thr666Arg (NM_001407571.1, NM_001407853.1, NM_001407894.1 and 9 more transcripts); c.2210C>G, p.Thr737Arg (NM_001407581.1, NM_001407582.1, NM_001407583.1 and 30 more transcripts); c.2207C>G, p.Thr736Arg (NM_001407587.1, NM_001407590.1, NM_001407591.1 and 22 more transcripts); c.2201C>G, p.Thr734Arg (NM_001407646.1, NM_001407647.1); c.2087C>G, p.Thr696Arg (NM_001407648.1, NM_001407664.1, NM_001407665.1 and 19 more transcripts); c.2084C>G, p.Thr695Arg (NM_001407649.1, NM_001407670.1, NM_001407671.1 and 11 more transcripts); c.2132C>G, p.Thr711Arg (NM_001407653.1, NM_001407654.1, NM_001407655.1 and 4 more transcripts); c.2129C>G, p.Thr710Arg (NM_001407659.1, NM_001407660.1, NM_001407661.1 and 1 more transcripts); and 41 more; short protein forms T690R, T737R, T648R, T689R, T696R, T711R, T734R, T441R.
Identifiers: ClinVar variation 1687136 (VCV001687136.5), dbSNP rs2154392997, ClinGen allele CA10597576.

ClinVar aggregate classification (germline): Conflicting classifications of pathogenicity. Review status: criteria provided, conflicting classifications (1 of 4 stars). 3 submissions from 3 submitters: Uncertain significance (1); Likely benign (1). 1 of the submissions does not count toward it. Last evaluated 2025-05-10.

Conditions:
Hereditary cancer-predisposing syndrome. Also called: Hereditary Cancer Syndrome; Hereditary neoplastic syndrome; Neoplastic Syndromes, Hereditary; Tumor predisposition. Identifiers: Orphanet 140162, MedGen C0027672, MeSH D009386, MONDO:0015356.
Familial cancer of breast. Also called: BREAST CANCER, FAMILIAL; Hereditary breast cancer; hereditary breast carcinoma. Identifiers: Orphanet 227535, MedGen C0346153, MONDO:0016419, OMIM 114480. Disease mechanism: loss of function.

Submissions (3):

Ambry Genetics
Classification: Uncertain significance for Hereditary cancer-predisposing syndrome. Last evaluated: 2025-05-10. Review status: criteria provided, single submitter. Criteria: Ambry Variant Classification Scheme 2023. Collection method: clinical testing. Allele origin: germline.
Comment: The p.T737R variant (also known as c.2210C>G), located in coding exon 9 of the BRCA1 gene, results from a C to G substitution at nucleotide position 2210. The threonine at codon 737 is replaced by arginine, an amino acid with similar properties. This variant was detected in 1/1664 Chinese Hakka patients with breast and/or ovarian cancer (Zhang Y et al. BMC Cancer, 2022 Aug;22:842). This amino acid position is not well conserved in available vertebrate species. In addition, the in silico prediction for this alteration is inconclusive. Based on the available evidence, the clinical significance of this variant remains unclear.

University of Washington Department of Laboratory Medicine, University of Washington
Classification: Likely benign for Hereditary cancer-predisposing syndrome. Last evaluated: 2023-03-23. Review status: criteria provided, single submitter. Criteria: Dines et al. (Genet Med. 2020). Collection method: curation. Allele origin: germline.
Comment: Missense variant in a coldspot region where missense variants are very unlikely to be pathogenic (PMID:31911673).

BRCA1 coldspot (exon 11 using historical exon numbering). Reclassification based on statistical prior probability

Center for Precision Medicine, Meizhou People's Hospital
Classification: Uncertain significance for Familial cancer of breast. Review status: no assertion criteria provided. Collection method: literature only. Allele origin: germline. Affected: yes. Not counted in ClinVar's aggregate classification.

Literature cited by the submitters: PubMed 35918668 (cited by Ambry Genetics); PubMed 27381626 (cited by Center for Precision Medicine, Meizhou People's Hospital).